The following is an entry in ClinVar:

NM_007294.4(BRCA1):c.3774G>A (p.Glu1258=)

Genes: BRCA1 (BRCA1 DNA repair associated; minus strand), LOC126862571 (BRD4-independent group 4 enhancer GRCh37_chr17:41243136-41244335; plus strand). Cytogenetic location: 17q21.31.
Variant type: single nucleotide variant.
Coding change: c.3774G>A on transcript NM_007294.4 (MANE Select); coding-DNA position 3774, G replaced by A.
Protein change: p.Glu1258=; no amino-acid change (glutamic acid 1258 retained).
Molecular consequence: synonymous variant. On other transcripts: intron variant (135).
Genome position (GRCh38, 1-based): chr17:43,091,757, C>T on the plus strand (G>A on the coding strand, the complement: BRCA1 is on the minus strand). VCF-style: chr17-43091757-C-T. GRCh37 (hg19) VCF-style: chr17-41243774-C-T.
Other names: c.3561G>A, p.Glu1187= (NM_001407571.1, NM_001407853.1, NM_001407894.1 and 9 more transcripts); c.3774G>A, p.Glu1258= (NM_001407581.1, NM_001407582.1, NM_001407583.1 and 30 more transcripts); c.3771G>A, p.Glu1257= (NM_001407587.1, NM_001407590.1, NM_001407591.1 and 22 more transcripts); c.3765G>A, p.Glu1255= (NM_001407646.1, NM_001407647.1); c.3651G>A, p.Glu1217= (NM_001407648.1, NM_001407664.1, NM_001407665.1 and 19 more transcripts); c.3648G>A, p.Glu1216= (NM_001407649.1, NM_001407670.1, NM_001407671.1 and 11 more transcripts); c.3696G>A, p.Glu1232= (NM_001407653.1, NM_001407654.1, NM_001407655.1 and 4 more transcripts); c.3693G>A, p.Glu1231= (NM_001407659.1, NM_001407660.1, NM_001407661.1 and 1 more transcripts); and 41 more.
Identifiers: ClinVar variation 225730 (VCV000225730.21), dbSNP rs431825399, ClinGen allele CA059196.

ClinVar aggregate classification (germline): Likely benign. Review status: reviewed by expert panel (3 of 4 stars). 6 submissions from 6 submitters: Likely benign (1). 5 of the submissions do not count toward it. Last evaluated 2017-06-29.

Conditions:
Breast-ovarian cancer, familial, susceptibility to, 1 (BROVCA1). Also called: BRCA1 Hereditary Breast and Ovarian Cancer; OVARIAN CANCER, SUSCEPTIBILITY TO. Identifiers: Orphanet 145, MedGen C2676676, MONDO:0011450, OMIM 604370. Disease mechanism: loss of function.
Hereditary breast ovarian cancer syndrome. Also called: Breast and ovarian cancer; Hereditary breast and ovarian cancer; Hereditary breast and ovarian cancer syndrome; Hereditary breast and/or ovarian cancer syndrome; BRCA1- and BRCA2-Associated Hereditary Breast and Ovarian Cancer; Hereditary breast and ovarian cancer syndrome (HBOC). Identifiers: Orphanet 145, MedGen C0677776, MeSH D061325, MONDO:0003582. Disease mechanism: loss of function.
Hereditary cancer-predisposing syndrome. Also called: Tumor predisposition; Hereditary Cancer Syndrome; Neoplastic Syndromes, Hereditary; Hereditary neoplastic syndrome. Identifiers: Orphanet 140162, MedGen C0027672, MeSH D009386, MONDO:0015356.

Allele frequency attached by ClinVar (database versions not stated): gnomAD exomes below 0.00001; TOPMed below 0.00001; ExAC 0.00001; gnomAD 0.00001.
gnomAD v4.1: 8 of 1,614,070 alleles (0.0005%); highest among the groups gnomAD compares: African/African-American, 0.0013%; no homozygotes.

Submissions (6):

Evidence-based Network for the Interpretation of Germline Mutant Alleles (ENIGMA)
Classification: Likely benign for Breast-ovarian cancer, familial, susceptibility to, 1. Last evaluated: 2017-06-29. Review status: reviewed by expert panel. Criteria: ENIGMA BRCA1/2 Classification Criteria (2017-06-29). Collection method: curation. Allele origin: germline.
Comment: Synonymous substitution variant, with low bioinformatic likelihood to result in a splicing aberration (Splicing prior probability 0.02).

Labcorp Genetics (formerly Invitae), Labcorp
Classification: Likely benign for Hereditary breast ovarian cancer syndrome. Last evaluated: 2026-01-13. Review status: criteria provided, single submitter. Criteria: Invitae Variant Classification Sherloc (09022015). Collection method: clinical testing. Allele origin: germline. Not counted in ClinVar's aggregate classification.

Ambry Genetics
Classification: Likely benign for Hereditary cancer-predisposing syndrome. Last evaluated: 2020-03-26. Review status: criteria provided, single submitter. Criteria: Ambry Variant Classification Scheme 2023. Collection method: clinical testing. Allele origin: germline. Not counted in ClinVar's aggregate classification.

GeneDx
Classification: Likely benign. Last evaluated: 2020-02-29. Review status: criteria provided, single submitter. Criteria: GeneDx Variant Classification Process June 2021. Collection method: clinical testing. Allele origin: germline. Affected: yes. Not counted in ClinVar's aggregate classification.

Genetic Services Laboratory, University of Chicago
Classification: Likely benign. Last evaluated: 2019-01-28. Review status: criteria provided, single submitter. Criteria: ACMG Guidelines, 2015. Collection method: clinical testing. Allele origin: germline. Affected: no. Not counted in ClinVar's aggregate classification.

Molecular Genetics Laboratory, University of Michigan
Classification: Benign for Breast-ovarian cancer, familial, susceptibility to, 1. Last evaluated: 2016-04-21. Review status: criteria provided, single submitter. Criteria: ACMG Guidelines, 2015. Collection method: clinical testing. Allele origin: germline. Affected: yes. Not counted in ClinVar's aggregate classification.